The following is an entry in ClinVar:

ClinVar aggregate classification (germline): Uncertain significance (1 of 4 stars; one submission).

Conditions:
Atrial septal defect 5 (ASD5). Identifiers: Orphanet 1478, MedGen C2748552, MONDO:0013011, OMIM 612794.
Hypertrophic cardiomyopathy 11. Also called: ACTC1-Related Familial Hypertrophic Cardiomyopathy. Identifiers: MedGen C2677506, MONDO:0012799, OMIM 612098.
Dilated cardiomyopathy 1R (CMD1R). Identifiers: Orphanet 154, Orphanet 54260, MedGen C3150681, MONDO:0013261, OMIM 613424.

Submission:

Labcorp Genetics (formerly Invitae), Labcorp
Classification: Uncertain significance for Dilated cardiomyopathy 1R; Hypertrophic cardiomyopathy 11; Atrial septal defect 5. Last evaluated: 2025-03-24. Review status: criteria provided, single submitter. Criteria: Invitae Variant Classification Sherloc (09022015). Collection method: clinical testing. Allele origin: germline.
Comment: This sequence change replaces asparagine, which is neutral and polar, with aspartic acid, which is acidic and polar, at codon 130 of the ACTC1 protein (p.Asn130Asp). This variant is not present in population databases (gnomAD no frequency). This variant has not been reported in the literature in individuals affected with ACTC1-related conditions. Invitae Evidence Modeling of protein sequence and biophysical properties (such as structural, functional, and spatial information, amino acid conservation, physicochemical variation, residue mobility, and thermodynamic stability) indicates that this missense variant is not expected to disrupt ACTC1 protein function with a negative predictive value of 80%. In summary, the available evidence is currently insufficient to determine the role of this variant in disease. Therefore, it has been classified as a Variant of Uncertain Significance.

NM_005159.5(ACTC1):c.388A>G (p.Asn130Asp)

Genes: ACTC1 (actin alpha cardiac muscle 1; minus strand), GJD2-DT (GJD2 divergent transcript; plus strand). Cytogenetic location: 15q14.
Variant type: single nucleotide variant.
Coding change: c.388A>G on transcript NM_005159.5 (MANE Select); coding-DNA position 388, A replaced by G.
Protein change: p.Asn130Asp; replaces asparagine 130 with aspartic acid.
Molecular consequence: missense variant. On other transcripts: 5 prime UTR variant (1).
Genome position (GRCh38, 1-based): chr15:34,793,311, T>C on the plus strand (A>G on the coding strand, the complement: ACTC1 is on the minus strand). VCF-style: chr15-34793311-T-C. GRCh37 (hg19) VCF-style: chr15-35085512-T-C.
Other names: c.388A>G, p.Asn130Asp (NM_001406482.1, NM_001406483.1); c.253A>G, p.Asn85Asp (NM_001406484.1); c.-1A>G (NM_001406485.1); short protein forms N85D, N130D.
Identifiers: ClinVar variation 4793655 (VCV004793655.1).